The following is an entry in ClinVar:

ClinVar aggregate classification (germline): Uncertain significance (1 of 4 stars; one submission).

Conditions:
Rhabdoid tumor predisposition syndrome 2 (RTPS2). Identifiers: Orphanet 231108, Orphanet 69077, MedGen C2750074, MONDO:0013224, OMIM 613325.

Submission:

Labcorp Genetics (formerly Invitae), Labcorp
Classification: Uncertain significance for Rhabdoid tumor predisposition syndrome 2. Last evaluated: 2023-12-01. Review status: criteria provided, single submitter. Criteria: Invitae Variant Classification Sherloc (09022015). Collection method: clinical testing. Allele origin: germline.
Comment: This variant, c.702_725del, results in the deletion of 8 amino acid(s) of the SMARCA4 protein (p.Gly237_Pro244del), but otherwise preserves the integrity of the reading frame. This variant is not present in population databases (gnomAD no frequency). This variant has not been reported in the literature in individuals affected with SMARCA4-related conditions. Experimental studies and prediction algorithms are not available or were not evaluated, and the functional significance of this variant is currently unknown. In summary, the available evidence is currently insufficient to determine the role of this variant in disease. Therefore, it has been classified as a Variant of Uncertain Significance.

NM_003072.5(SMARCA4):c.702_725del (p.229GP[4])

Gene: SMARCA4 (SWI/SNF related BAF chromatin remodeling complex subunit ATPase 4; plus strand). Cytogenetic location: 19p13.2.
Variant type: Deletion.
Coding change: c.702_725del on transcript NM_003072.5 (MANE Select); coding-DNA positions 702 to 725, 24 bases deleted (TGGCCCTGGCCCCGGCCCGGGTCC).
Protein change: p.229GP[4].
Molecular consequence: inframe deletion. On other transcripts: non-coding transcript variant (1).
Genome position (GRCh38, 1-based): chr19:10,986,535-10,986,558, TGGCCCTGGCCCCGGCCCGGGTCC deleted; deleting any 24 consecutive bases within chr19:10,986,533-10,986,558 gives the same sequence; the c. name uses the placement nearest the transcript's 3' end. VCF-style (leftmost placement, unchanged base first): chr19-10986532-CCCTGGCCCTGGCCCCGGCCCGGGT-C. GRCh37 (hg19) VCF-style: chr19-11097208-CCCTGGCCCTGGCCCCGGCCCGGGT-C.
Other names: c.702_725del, p.229GP[4] (NM_001128844.3, NM_001128845.2, NM_001128846.2 and 6 more transcripts).
Identifiers: ClinVar variation 2871042 (VCV002871042.3), dbSNP rs2514005249, ClinGen allele CA2582455129.